The following is an entry in ClinVar:

ClinVar aggregate classification (germline): Pathogenic (3 of 4 stars; one submission).

Conditions:
Creatine transporter deficiency (CCDS1). Also called: CEREBRAL CREATINE DEFICIENCY SYNDROME 1; Mental retardation , X-linked with seizures, short stature and midface hypoplasia; Mental retardation , X-linked, with creatine transport deficiency; X-linked creatine transporter deficiency; X-linked creatine deficiency syndrome; SLC6A8-Related Creatine Transporter Deficiency. Identifiers: Orphanet 52503, MedGen C1845862, MONDO:0010305, OMIM 300352.

Submission:

ClinGen Cerebral Creatine Deficiency Syndromes Variant Curation Expert Panel, ClinGen
Classification: Pathogenic for Creatine transporter deficiency. Last evaluated: 2023-03-23. Review status: reviewed by expert panel. Criteria: ClinGen_CCDS_ACMG_Specifications_SLC6A8_v1.1. Collection method: curation. Allele origin: germline. Inheritance: X-linked inheritance.
Comment: The NM_005629.4:c.462G>A p.(Trp154Ter) variant in SLC6A8 is a nonsense variant predicted to cause a premature stop codon in biologically relevant exon 3/13, and is predicted to lead to nonsense mediated decay in a gene in which loss-of-function is an established disease mechanism. This variant is absent in gnomADv2.1.1, meeting criteria for PM2_Supporting, and has not been previously reported in ClinVar. PMID:19706062], therefore this reported individual meets criteria for PP4_Strong. In summary, this variant meets the criteria to be classified as Pathogenic for Creatine Transporter Deficiency based on the ACMG/AMP criteria applied, as specified by the ClinGen Cerebral Creatine Deficiency Syndromes Variant Curation Expert Panel (Specifications Version 1.1.0): PVS1, PP4_Strong, PM2_Supporting. (Classification approved by the ClinGen CCDS VCEP, March 23, 2023).

NM_005629.4(SLC6A8):c.462G>A (p.Trp154Ter)

Gene: SLC6A8 (solute carrier family 6 member 8; plus strand). Cytogenetic location: Xq28.
Variant type: single nucleotide variant.
Coding change: c.462G>A on transcript NM_005629.4 (MANE Select); coding-DNA position 462, G replaced by A.
Protein change: p.Trp154Ter; replaces tryptophan 154 with a stop codon.
Molecular consequence: nonsense.
Genome position (GRCh38, 1-based): chrX:153,691,371, G>A. VCF-style: chrX-153691371-G-A. GRCh37 (hg19) VCF-style: chrX-152956826-G-A.
Other names: NM_001142805.2:c.462G>A; c.462G>A, p.Trp154Ter (NM_001142805.2); c.117G>A, p.Trp39Ter (NM_001142806.1); short protein forms W154*, W39*.
Identifiers: ClinVar variation 3256152 (VCV003256152.1).